The following is an entry in ClinVar:

NM_000535.7(PMS2):c.2014A>T (p.Met672Leu)

Gene: PMS2 (PMS1 homolog 2, mismatch repair system component; minus strand). Cytogenetic location: 7p22.1.
Variant type: single nucleotide variant.
Coding change: c.2014A>T on transcript NM_000535.7 (MANE Select); coding-DNA position 2014, A replaced by T.
Protein change: p.Met672Leu; replaces methionine 672 with leucine.
Molecular consequence: missense variant. On other transcripts: intron variant (4), non-coding transcript variant (1).
Genome position (GRCh38, 1-based): chr7:5,982,984, T>A on the plus strand (A>T on the coding strand, the complement: PMS2 is on the minus strand). VCF-style: chr7-5982984-T-A. GRCh37 (hg19) VCF-style: chr7-6022615-T-A.
Other names: c.1648A>T, p.Met550Leu (NM_001406886.1); c.1609A>T, p.Met537Leu (NM_001406887.1, NM_001406888.1, NM_001406889.1 and 14 more transcripts); c.1858A>T, p.Met620Leu (NM_001322006.2, NM_001406870.1); c.1696A>T, p.Met566Leu (NM_001322007.2, NM_001322008.2, NM_001406883.1 and 1 more transcripts); c.1453A>T, p.Met485Leu (NM_001322010.2, NM_001406906.1, NM_001406907.1); c.1081A>T, p.Met361Leu (NM_001322011.2, NM_001322012.2); c.1441A>T, p.Met481Leu (NM_001322013.2, NM_001406909.1); c.2014A>T, p.Met672Leu (NM_001322014.2, NM_001406871.1); and 16 more; short protein forms M361L, M481L, M550L, M566L, M636L, M271L, M415L, M517L.
Identifiers: ClinVar variation 4842998 (VCV004842998.1).

ClinVar aggregate classification (germline): Uncertain significance (1 of 4 stars; one submission).

Conditions:
Hereditary cancer-predisposing syndrome. Also called: Neoplastic Syndromes, Hereditary; Tumor predisposition; Hereditary Cancer Syndrome; Hereditary neoplastic syndrome. Identifiers: Orphanet 140162, MedGen C0027672, MeSH D009386, MONDO:0015356.

Submission:

Ambry Genetics
Classification: Uncertain significance for Hereditary cancer-predisposing syndrome. Last evaluated: 2026-01-10. Review status: criteria provided, single submitter. Criteria: Ambry Variant Classification Scheme 2023. Collection method: clinical testing. Allele origin: germline.
Comment: The p.M672L variant (also known as c.2014A>T), located in coding exon 12 of the PMS2 gene, results from an A to T substitution at nucleotide position 2014. The methionine at codon 672 is replaced by leucine, an amino acid with highly similar properties. This amino acid position is conserved. In addition, this alteration is predicted to be deleterious by in silico analysis. Based on the available evidence, the clinical significance of this variant remains unclear.